The following is an entry in ClinVar:

ClinVar aggregate classification (germline): Uncertain significance (1 of 4 stars; one submission).

Conditions:
Mendelian susceptibility to mycobacterial diseases due to partial STAT1 deficiency. Also called: IMMUNODEFICIENCY 31A, MYCOBACTERIOSIS, AUTOSOMAL DOMINANT; STAT1 DEFICIENCY, AUTOSOMAL DOMINANT; Immunodeficiency 31a. Identifiers: Orphanet 319595, MedGen C4013950, MONDO:0013956, OMIM 614892.
Immunodeficiency 31B. Also called: STAT1 DEFICIENCY, AUTOSOMAL RECESSIVE; IMMUNODEFICIENCY 31B, MYCOBACTERIAL AND VIRAL INFECTIONS, AUTOSOMAL RECESSIVE. Identifiers: Orphanet 391311, MedGen C3151088, MONDO:0013427, OMIM 613796.
Autoimmune enteropathy and endocrinopathy - susceptibility to chronic infections syndrome. Also called: Immunodeficiency 31C, autosomal dominant; Immunodeficiency 31C. Identifiers: Orphanet 391487, MedGen C3279990, MONDO:0013599, OMIM 614162.

Submission:

Labcorp Genetics (formerly Invitae), Labcorp
Classification: Uncertain significance for Mendelian susceptibility to mycobacterial diseases due to partial STAT1 deficiency; Immunodeficiency 31B; Autoimmune enteropathy and endocrinopathy - susceptibility to chronic infections syndrome. Last evaluated: 2024-10-30. Review status: criteria provided, single submitter. Criteria: Invitae Variant Classification Sherloc (09022015). Collection method: clinical testing. Allele origin: germline.
Comment: This sequence change replaces arginine, which is basic and polar, with glycine, which is neutral and non-polar, at codon 331 of the STAT1 protein (p.Arg331Gly). This variant is not present in population databases (gnomAD no frequency). This variant has not been reported in the literature in individuals affected with STAT1-related conditions. An algorithm developed to predict the effect of missense changes on protein structure and function (PolyPhen-2) suggests that this variant is likely to be disruptive. In summary, the available evidence is currently insufficient to determine the role of this variant in disease. Therefore, it has been classified as a Variant of Uncertain Significance.

NM_007315.4(STAT1):c.991A>G (p.Arg331Gly)

Gene: STAT1 (signal transducer and activator of transcription 1; minus strand). Cytogenetic location: 2q32.2.
Variant type: single nucleotide variant.
Coding change: c.991A>G on transcript NM_007315.4 (MANE Select); coding-DNA position 991, A replaced by G.
Protein change: p.Arg331Gly; replaces arginine 331 with glycine.
Molecular consequence: missense variant. On other transcripts: intron variant (1).
Genome position (GRCh38, 1-based): chr2:190,991,274, T>C on the plus strand (A>G on the coding strand, the complement: STAT1 is on the minus strand). VCF-style: chr2-190991274-T-C. GRCh37 (hg19) VCF-style: chr2-191856000-T-C.
Other names: c.991A>G, p.Arg331Gly (NM_001384880.1, NM_001384882.1, NM_001384886.1 and 3 more transcripts); c.997A>G, p.Arg333Gly (NM_001384881.1, NM_001384884.1); c.892A>G, p.Arg298Gly (NM_001384883.1); c.832A>G, p.Arg278Gly (NM_001384885.1); c.901A>G, p.Arg301Gly (NM_001384890.1); c.1027A>G, p.Arg343Gly (NM_001384891.1); c.945-1600A>G (NM_001384887.1); short protein forms R278G, R298G, R301G, R331G, R333G, R343G.
Identifiers: ClinVar variation 3754975 (VCV003754975.2).
Genomic context (GRCh38, chr2:190,991,274, plus strand): 5'-CTTTCCCTTGTTACCTCAACTTCACAGTGAACTGGACCCCTGTCTTCAAGACCAGCGGCC[T>C]CTGAGGGTGCGTTGGCATGCAGGGCTGTCTTTCCACCACAAACGAGCTGCAAATACCCAG-3'
Protein context (NP_009330.1, residues 321-341): RQPCMPTHPQ[Arg331Gly]PLVLKTGVQF